The following is an entry in ClinVar:

NM_015650.4(IFT54):c.1452-5T>G

Gene: IFT54 (intraflagellar transport 54; plus strand). Cytogenetic location: 2q37.3.
Variant type: single nucleotide variant.
Coding change: c.1452-5T>G on transcript NM_015650.4 (MANE Select); 5 bases into the intron before coding-DNA position 1452, T replaced by G.
Molecular consequence: intron variant.
Genome position (GRCh38, 1-based): chr2:238,352,822, T>G. VCF-style: chr2-238352822-T-G. GRCh37 (hg19) VCF-style: chr2-239261463-T-G.
Other names: c.1254-5T>G (NM_001139490.1).
Identifiers: ClinVar variation 2066983 (VCV002066983.2), dbSNP rs561106336, ClinGen allele CA2198462.

ClinVar aggregate classification (germline): Uncertain significance. Review status: criteria provided, multiple submitters, no conflicts (2 of 4 stars). 2 submissions from 2 submitters: Uncertain significance (2). Last evaluated 2024-06-26.

Allele frequency attached by ClinVar (database versions not stated): ExAC 0.00003; gnomAD 0.00003; TOPMed 0.00003.

Submissions (2):

Blueprint Genetics
Classification: Uncertain significance. Last evaluated: 2024-06-26. Review status: criteria provided, single submitter. Criteria: ACMG Guidelines, 2015. Collection method: clinical testing. Allele origin: germline.

Labcorp Genetics (formerly Invitae), Labcorp
Classification: Uncertain significance. Last evaluated: 2022-05-27. Review status: criteria provided, single submitter. Criteria: Invitae Variant Classification Sherloc (09022015). Collection method: clinical testing. Allele origin: germline.
Comment: This sequence change falls in intron 12 of the TRAF3IP1 gene. It does not directly change the encoded amino acid sequence of the TRAF3IP1 protein. This variant is present in population databases (rs561106336, gnomAD 0.006%). This variant has not been reported in the literature in individuals affected with TRAF3IP1-related conditions. Algorithms developed to predict the effect of sequence changes on RNA splicing suggest that this variant may disrupt the consensus splice site. In summary, the available evidence is currently insufficient to determine the role of this variant in disease. Therefore, it has been classified as a Variant of Uncertain Significance.